The following is an entry in ClinVar:

NM_032590.5(KDM2B):c.2214G>A (p.Lys738=)

Gene: KDM2B (lysine demethylase 2B; minus strand). Cytogenetic location: 12q24.31.
Variant type: single nucleotide variant.
Coding change: c.2214G>A on transcript NM_032590.5 (MANE Select); coding-DNA position 2214, G replaced by A.
Protein change: p.Lys738=; no amino-acid change (lysine 738 retained).
Molecular consequence: synonymous variant.
Genome position (GRCh38, 1-based): chr12:121,444,249, C>T on the plus strand (G>A on the coding strand, the complement: KDM2B is on the minus strand). VCF-style: chr12-121444249-C-T. GRCh37 (hg19) VCF-style: chr12-121882052-C-T.
Other names: c.2121G>A, p.Lys707= (NM_001005366.2).
Identifiers: ClinVar variation 3353176 (VCV003353176.1).

ClinVar aggregate classification (germline): Likely benign (0 of 4 stars; one submission).

Conditions:
KDM2B-related disorder. Also called: KDM2B-related condition.

gnomAD v4.1: 23 of 1,613,960 alleles (0.0014%); highest among the groups gnomAD compares: Middle Eastern, 0.23%; no homozygotes.

Submission:

PreventionGenetics, part of Exact Sciences
Classification: Likely benign for KDM2B-related condition. Last evaluated: 2019-02-28. Review status: no assertion criteria provided. Collection method: clinical testing. Allele origin: germline.
Comment: This variant is classified as likely benign based on ACMG/AMP sequence variant interpretation guidelines (Richards et al. 2015 PMID: 25741868, with internal and published modifications).